The following is an entry in ClinVar:

ClinVar aggregate classification (germline): Uncertain significance (1 of 4 stars; one submission).

Allele frequency attached by ClinVar (database versions not stated): TOPMed below 0.00001; gnomAD 0.00001; gnomAD exomes 0.00001.
gnomAD v4.1: 24 of 1,613,970 alleles (0.0015%); highest among the groups gnomAD compares: Non-Finnish European, 0.0019%; no homozygotes.

Submission:

Labcorp Genetics (formerly Invitae), Labcorp
Classification: Uncertain significance. Last evaluated: 2022-05-15. Review status: criteria provided, single submitter. Criteria: Invitae Variant Classification Sherloc (09022015). Collection method: clinical testing. Allele origin: germline.
Comment: This sequence change replaces serine, which is neutral and polar, with asparagine, which is neutral and polar, at codon 2390 of the CEP250 protein (p.Ser2390Asn). This variant is present in population databases (no rsID available, gnomAD 0.002%). This variant has not been reported in the literature in individuals affected with CEP250-related conditions. Algorithms developed to predict the effect of missense changes on protein structure and function output the following: SIFT: "Not Available"; PolyPhen-2: "Benign"; Align-GVGD: "Not Available". The asparagine amino acid residue is found in multiple mammalian species, which suggests that this missense change does not adversely affect protein function. In summary, the available evidence is currently insufficient to determine the role of this variant in disease. Therefore, it has been classified as a Variant of Uncertain Significance.

NM_007186.6(CEP250):c.7169G>A (p.Ser2390Asn)

Gene: CEP250 (centrosomal protein 250; plus strand). Cytogenetic location: 20q11.22.
Variant type: single nucleotide variant.
Coding change: c.7169G>A on transcript NM_007186.6 (MANE Select); coding-DNA position 7169, G replaced by A.
Protein change: p.Ser2390Asn; replaces serine 2390 with asparagine.
Molecular consequence: missense variant.
Genome position (GRCh38, 1-based): chr20:35,511,466, G>A. VCF-style: chr20-35511466-G-A. GRCh37 (hg19) VCF-style: chr20-34099295-G-A.
Other names: c.5273G>A, p.Ser1758Asn (NM_001318219.1); short protein forms S1758N, S2390N.
Identifiers: ClinVar variation 1374723 (VCV001374723.3), dbSNP rs1213364534, ClinGen allele CA408762099.